The following is an entry in ClinVar:

NM_201384.3(PLEC):c.1067A>G (p.Lys356Arg)

Gene: PLEC (plectin; minus strand). Cytogenetic location: 8q24.3.
Variant type: single nucleotide variant.
Coding change: c.1067A>G on transcript NM_201384.3 (MANE Select); coding-DNA position 1067, A replaced by G.
Protein change: p.Lys356Arg; replaces lysine 356 with arginine.
Molecular consequence: missense variant.
Genome position (GRCh38, 1-based): chr8:143,934,420, T>C on the plus strand (A>G on the coding strand, the complement: PLEC is on the minus strand). VCF-style: chr8-143934420-T-C. GRCh37 (hg19) VCF-style: chr8-145008588-T-C.
Other names: c.1148A>G, p.Lys383Arg (NM_000445.5); c.1025A>G, p.Lys342Arg (NM_201378.4); c.1001A>G, p.Lys334Arg (NM_201379.3); c.1478A>G, p.Lys493Arg (NM_201380.4); c.971A>G, p.Lys324Arg (NM_201381.3); c.1067A>G, p.Lys356Arg (NM_201382.4); c.1079A>G, p.Lys360Arg (NM_201383.3); short protein forms K324R, K334R, K342R, K356R, K360R, K383R, K493R.
Identifiers: ClinVar variation 501039 (VCV000501039.10), dbSNP rs376259577, ClinGen allele CA4928177.

ClinVar aggregate classification (germline): Uncertain significance. Review status: criteria provided, multiple submitters, no conflicts (2 of 4 stars). 2 submissions from 2 submitters: Uncertain significance (2). Last evaluated 2021-10-11.

Conditions:
Epidermolysis bullosa simplex 5B, with muscular dystrophy (EBS5B). Also called: EPIDERMOLYSIS BULLOSA SIMPLEX AND LIMB-GIRDLE MUSCULAR DYSTROPHY; Epidermolysis bullosa simplex with muscular dystrophy. Identifiers: Orphanet 257, MedGen C2931072, MONDO:0009181, OMIM 226670.
Epidermolysis bullosa simplex, Ogna type (EBS5A). Also called: Pidermolysis bullosa simplex 5A, Ogna type; EPIDERMOLYSIS BULLOSA SIMPLEX 5A, OGNA TYPE. Identifiers: Orphanet 79401, MedGen C0432317, MONDO:0007555, OMIM 131950.
Autosomal recessive limb-girdle muscular dystrophy type 2Q (LGMDR17). Also called: MUSCULAR DYSTROPHY, LIMB-GIRDLE, AUTOSOMAL RECESSIVE 17. Identifiers: Orphanet 254361, MedGen C3150989, MONDO:0013390, OMIM 613723.
Epidermolysis bullosa simplex 5C, with pyloric atresia (EBS5C). Also called: Epidermolysis bullosa simplex with pyloric atresia; PLEC1-Related Epidermolysis Bullosa with Pyloric Atresia; PLEC-Related Epidermolysis Bullosa with Pyloric Atresia. Identifiers: Orphanet 158684, MedGen C2677349, MONDO:0012807, OMIM 612138.
Epidermolysis bullosa simplex with nail dystrophy (EBS5D). Identifiers: MedGen C4225309, MONDO:0014661, OMIM 616487.

Allele frequency attached by ClinVar (database versions not stated): gnomAD 0.00001; gnomAD exomes 0.00001; ExAC 0.00002; TOPMed 0.00002; ESP Exome Variant Server 0.00008.
gnomAD v4.1: 8 of 1,611,554 alleles (0.0005%); highest among the groups gnomAD compares: African/African-American, 0.0013%; no homozygotes.

Submissions (2):

Labcorp Genetics (formerly Invitae), Labcorp
Classification: Uncertain significance for Autosomal recessive limb-girdle muscular dystrophy type 2Q; Epidermolysis bullosa simplex, Ogna type; Epidermolysis bullosa simplex with nail dystrophy; Epidermolysis bullosa simplex 5C, with pyloric atresia; Epidermolysis bullosa simplex 5B, with muscular dystrophy. Last evaluated: 2021-10-11. Review status: criteria provided, single submitter. Criteria: Invitae Variant Classification Sherloc (09022015). Collection method: clinical testing. Allele origin: germline.
Comment: This sequence change replaces lysine with arginine at codon 383 of the PLEC protein (p.Lys383Arg). The lysine residue is highly conserved and there is a small physicochemical difference between lysine and arginine. In summary, the available evidence is currently insufficient to determine the role of this variant in disease. Therefore, it has been classified as a Variant of Uncertain Significance. Algorithms developed to predict the effect of missense changes on protein structure and function are either unavailable or do not agree on the potential impact of this missense change (SIFT: "Deleterious"; PolyPhen-2: "Not Available"; Align-GVGD: "Class C0"). ClinVar contains an entry for this variant (Variation ID: 501039). This variant has not been reported in the literature in individuals affected with PLEC-related conditions. This variant is present in population databases (rs376259577, ExAC 0.01%).

Eurofins Ntd Llc (ga)
Classification: Uncertain significance. Last evaluated: 2017-03-28. Review status: criteria provided, single submitter. Criteria: EGL Classification Definitions 2015. Collection method: clinical testing. Allele origin: germline. Observed: 1 variant allele, 1 heterozygote.